The following is an entry in ClinVar:

ClinVar aggregate classification (germline): Uncertain significance. Review status: criteria provided, multiple submitters, no conflicts (2 of 4 stars). 4 submissions from 3 submitters: Uncertain significance (4). Last evaluated 2022-03-15.

Conditions:
Hereditary cancer-predisposing syndrome. Also called: Tumor predisposition; Neoplastic Syndromes, Hereditary; Hereditary Cancer Syndrome; Hereditary neoplastic syndrome. Identifiers: Orphanet 140162, MedGen C0027672, MeSH D009386, MONDO:0015356.
Cardiovascular phenotype. Identifiers: MedGen CN230736.
Neurofibromatosis, type 1 (NF1). Also called: Neurofibromatosis, type I; NEUROFIBROMATOSIS, TYPE I, SOMATIC; Peripheral type neurofibromatosis; VON RECKLINGHAUSEN DISEASE. Identifiers: Orphanet 636, MedGen C0027831, MONDO:0018975, OMIM 162200. Disease mechanism: loss of function.

Submissions (4):

Genome-Nilou Lab
Classification: Uncertain significance for Neurofibromatosis, type 1. Last evaluated: 2022-03-15. Review status: criteria provided, single submitter. Criteria: ACMG Guidelines, 2015. Collection method: clinical testing. Allele origin: germline. Affected: no.

Labcorp Genetics (formerly Invitae), Labcorp
Classification: Uncertain significance for Neurofibromatosis, type 1. Last evaluated: 2022-02-10. Review status: criteria provided, single submitter. Criteria: Invitae Variant Classification Sherloc (09022015). Collection method: clinical testing. Allele origin: germline.
Comment: This variant has not been reported in the literature in individuals affected with NF1-related conditions. ClinVar contains an entry for this variant (Variation ID: 404479). This sequence change replaces arginine, which is basic and polar, with lysine, which is basic and polar, at codon 2032 of the NF1 protein (p.Arg2032Lys). This variant is not present in population databases (gnomAD no frequency). Algorithms developed to predict the effect of missense changes on protein structure and function are either unavailable or do not agree on the potential impact of this missense change (SIFT: "Tolerated"; PolyPhen-2: "Probably Damaging"; Align-GVGD: "Class C0"). In summary, the available evidence is currently insufficient to determine the role of this variant in disease. Therefore, it has been classified as a Variant of Uncertain Significance.

Ambry Genetics
Classification: Uncertain significance for Cardiovascular phenotype; Hereditary cancer-predisposing syndrome. Last evaluated: 2019-05-21. Review status: criteria provided, single submitter. Criteria: Ambry Variant Classification Scheme 2023. Collection method: clinical testing. Allele origin: germline.

Ambry Genetics
Classification: Uncertain significance for Hereditary cancer-predisposing syndrome. Last evaluated: 2016-01-18. Review status: criteria provided, single submitter. Criteria: Ambry Autosomal Dominant and X-Linked criteria (10/2015). Collection method: clinical testing. Allele origin: germline. Observed: 1 variant allele.
Comment: The p.R2053K variant (also known as c.6158G>A), located in coding exon 42 of the NF1 gene, results from a G to A substitution at nucleotide position 6158. The arginine at codon 2053 is replaced by lysine, an amino acid with highly similar properties. This variant was not reported in population based cohorts in the following databases: Database of Single Nucleotide Polymorphisms (dbSNP), NHLBI Exome Sequencing Project (ESP), and 1000 Genomes Project. In the ESP, this variant was not observed in 6503 samples (13006 alleles) with coverage at this position. To date, this alteration has been detected with an allele frequency of approximately 0.001% (greater than 110000alleles tested) in our clinical cohort.This amino acid position is highly conserved in available vertebrate species. In addition, the in silico prediction for this alteration is inconclusive.Since supporting evidence is limited at this time, the clinical significance of this alterationremains unclear.

NM_001042492.3(NF1):c.6158G>A (p.Arg2053Lys)

Gene: NF1 (neurofibromin 1; plus strand). Cytogenetic location: 17q11.2.
Variant type: single nucleotide variant.
Coding change: c.6158G>A on transcript NM_001042492.3 (MANE Select); coding-DNA position 6158, G replaced by A.
Protein change: p.Arg2053Lys; replaces arginine 2053 with lysine.
Molecular consequence: missense variant.
Genome position (GRCh38, 1-based): chr17:31,336,645, G>A. VCF-style: chr17-31336645-G-A. GRCh37 (hg19) VCF-style: chr17-29663663-G-A.
Other names: c.6095G>A, p.Arg2032Lys (NM_000267.4); short protein forms R2032K, R2053K.
Identifiers: ClinVar variation 404479 (VCV000404479.9), dbSNP rs1060500289, ClinGen allele CA16615550.
Genomic context (GRCh38, chr17:31,336,645, plus strand): 5'-TTGAGTCCCATGTTTTTTTTTTTAAAAAAAAAAATCCTGCTTCTTTACAGGTTATTGGAA[G>A]GATGTGCAAAATAATTGACAAGACATGCTTATCTCCAACTCCTACTTTAGAACAACATCT-3'
Protein context (NP_001035957.1, residues 2043-2063): VKLVSSKVIG[Arg2053Lys]MCKIIDKTCL